The following is an entry in ClinVar:

NM_018344.6(SLC29A3):c.1077_1084del (p.Asp359fs)

Gene: SLC29A3 (solute carrier family 29 member 3; plus strand). Cytogenetic location: 10q22.1.
Variant type: Deletion.
Coding change: c.1077_1084del on transcript NM_018344.6 (MANE Select); coding-DNA positions 1077 to 1084, 8 bases deleted (CCTATGTG; older notation c.1077_1084delCCTATGTG).
Protein change: p.Asp359fs; shifts the reading frame from aspartic acid 359.
Molecular consequence: frameshift variant. On other transcripts: 3 prime UTR variant (1), non-coding transcript variant (2).
Genome position (GRCh38, 1-based): chr10:71,362,257-71,362,264, CCTATGTG deleted. VCF-style (leftmost placement, unchanged base first): chr10-71362256-ACCTATGTG-A. GRCh37 (hg19) VCF-style: chr10-73122013-ACCTATGTG-A.
Other names: c.*306_*313del (NM_001174098.2); c.843_850del, p.Asp281fs (NM_001363518.2); short protein forms D359fs, D281fs.
Identifiers: ClinVar variation 2721497 (VCV002721497.3), dbSNP rs1205111368, ClinGen allele CA594705566.

ClinVar aggregate classification (germline): Pathogenic (1 of 4 stars; one submission).

Conditions:
H syndrome. Also called: Histiocytosis with joint contractures and sensorineural deafness; Asrar Facharzt Haque syndrome; HISTIOCYTOSIS AND LYMPHADENOPATHY WITH OR WITHOUT CUTANEOUS, CARDIAC, AND/OR ENDOCRINE FEATURES, JOINT CONTRACTURES, AND/OR DEAFNESS; HYPERPIGMENTATION, CUTANEOUS, WITH HYPERTRICHOSIS, HEPATOSPLENOMEGALY, HEART ANOMALIES, AND HYPOGONADISM WITH OR WITHOUT HEARING LOSS; PIGMENTED HYPERTRICHOSIS WITH INSULIN-DEPENDENT DIABETES MELLITUS; ROSAI-DORFMAN DISEASE, FAMILIAL. Identifiers: Orphanet 168569, MedGen C1864445, MONDO:0011273, OMIM 602782.

Allele frequency attached by ClinVar (database versions not stated): gnomAD exomes below 0.00001.

Submission:

Labcorp Genetics (formerly Invitae), Labcorp
Classification: Pathogenic for H syndrome. Last evaluated: 2023-06-21. Review status: criteria provided, single submitter. Criteria: Invitae Variant Classification Sherloc (09022015). Collection method: clinical testing. Allele origin: germline.
Comment: This variant has not been reported in the literature in individuals affected with SLC29A3-related conditions. For these reasons, this variant has been classified as Pathogenic. This variant disrupts a region of the SLC29A3 protein in which other variant(s) (p.Arg363Trp) have been determined to be pathogenic (PMID: 19889517, 21888995, 23530176, 27143505, 27364927, 29041934, 29808591; Invitae). This suggests that this is a clinically significant region of the protein, and that variants that disrupt it are likely to be disease-causing. This variant is present in population databases (no rsID available, gnomAD 0.0009%). This sequence change creates a premature translational stop signal (p.Asp359Glufs*15) in the SLC29A3 gene. While this is not anticipated to result in nonsense mediated decay, it is expected to disrupt the last 117 amino acid(s) of the SLC29A3 protein.

Literature cited by the submitters: PubMed 19889517; PubMed 21888995; PubMed 23530176; PubMed 27143505; PubMed 27364927; PubMed 29041934; PubMed 29808591.